The following is an entry in ClinVar:

ClinVar aggregate classification (germline): Likely pathogenic. Review status: criteria provided, multiple submitters, no conflicts (2 of 4 stars). 2 submissions from 2 submitters: Likely pathogenic (2). Last evaluated 2020-08-26.

Conditions:
CDH23-related disorder. Also called: CDH23-related condition; CDH23-related disorders.

gnomAD v4.1: 15 of 1,612,500 alleles (0.00093%); highest among the groups gnomAD compares: Non-Finnish European, 0.0013%; no homozygotes.

Submissions (2):

GeneDx
Classification: Likely pathogenic. Last evaluated: 2020-08-26. Review status: criteria provided, single submitter. Criteria: GeneDx Variant Classification Process June 2021. Collection method: clinical testing. Allele origin: germline. Affected: yes.
Comment: Not observed at a significant frequency in large population cohorts (gnomAD); In silico analysis supports that this missense variant has a deleterious effect on protein structure/function; Has not been previously published as pathogenic or benign to our knowledge

Blueprint Genetics
Classification: Likely pathogenic for CDH23-related disorders. Last evaluated: 2020-03-06. Review status: criteria provided, single submitter. Criteria: ACMG Guidelines, 2015. Collection method: clinical testing. Allele origin: germline. Affected: yes. Observed: 3 variant alleles.

NM_022124.6(CDH23):c.6089A>G (p.Glu2030Gly)

Gene: CDH23 (cadherin related 23; plus strand). Cytogenetic location: 10q22.1.
Variant type: single nucleotide variant.
Coding change: c.6089A>G on transcript NM_022124.6 (MANE Select); coding-DNA position 6089, A replaced by G.
Protein change: p.Glu2030Gly; replaces glutamic acid 2030 with glycine.
Molecular consequence: missense variant.
Genome position (GRCh38, 1-based): chr10:71,791,171, A>G. VCF-style: chr10-71791171-A-G. GRCh37 (hg19) VCF-style: chr10-73550928-A-G.
Other names: short protein forms E2030G.
Identifiers: ClinVar variation 3898863 (VCV003898863.2).